The following is an entry in ClinVar:

NM_000535.7(PMS2):c.1679G>A (p.Cys560Tyr)

Gene: PMS2 (PMS1 homolog 2, mismatch repair system component; minus strand). Cytogenetic location: 7p22.1.
Variant type: single nucleotide variant.
Coding change: c.1679G>A on transcript NM_000535.7 (MANE Select); coding-DNA position 1679, G replaced by A.
Protein change: p.Cys560Tyr; replaces cysteine 560 with tyrosine.
Molecular consequence: missense variant. On other transcripts: non-coding transcript variant (1).
Genome position (GRCh38, 1-based): chr7:5,987,086, C>T on the plus strand (G>A on the coding strand, the complement: PMS2 is on the minus strand). VCF-style: chr7-5987086-C-T. GRCh37 (hg19) VCF-style: chr7-6026717-C-T.
Other names: c.1274G>A, p.Cys425Tyr (NM_001322003.2, NM_001322004.2, NM_001322005.2 and 1 more transcripts); c.1523G>A, p.Cys508Tyr (NM_001322006.2); c.1361G>A, p.Cys454Tyr (NM_001322007.2, NM_001322008.2); c.1118G>A, p.Cys373Tyr (NM_001322010.2); c.746G>A, p.Cys249Tyr (NM_001322011.2, NM_001322012.2); c.1106G>A, p.Cys369Tyr (NM_001322013.2); c.1679G>A, p.Cys560Tyr (NM_001322014.2); c.1370G>A, p.Cys457Tyr (NM_001322015.2); short protein forms C560Y, C454Y, C369Y, C373Y, C425Y, C457Y, C508Y, C249Y.
Identifiers: ClinVar variation 455666 (VCV000455666.26), dbSNP rs757989905, ClinGen allele CA045087.

ClinVar aggregate classification (germline): Conflicting classifications of pathogenicity. Review status: criteria provided, conflicting classifications (1 of 4 stars). 5 submissions from 5 submitters: Uncertain significance (4); Likely benign (1). Last evaluated 2025-07-13.

Conditions:
Hereditary nonpolyposis colorectal neoplasms. Identifiers: MedGen C0009405, MeSH D003123.
Hereditary cancer-predisposing syndrome. Also called: Hereditary Cancer Syndrome; Hereditary neoplastic syndrome; Neoplastic Syndromes, Hereditary; Tumor predisposition. Identifiers: Orphanet 140162, MedGen C0027672, MeSH D009386, MONDO:0015356.
Lynch syndrome. Identifiers: Orphanet 144, MedGen C4552100, MONDO:0005835. Disease mechanism: loss of function.

Allele frequency attached by ClinVar (database versions not stated): gnomAD exomes below 0.00001; ExAC 0.00001; TOPMed 0.00001.
gnomAD v4.1: 1 of 1,614,174 alleles (0.000062%); highest among the groups gnomAD compares: Non-Finnish European, 0.000085%; no homozygotes.

Submissions (5):

GeneDx
Classification: Uncertain significance. Last evaluated: 2025-07-13. Review status: criteria provided, single submitter. Criteria: GeneDx Variant Classification Process June 2021. Collection method: clinical testing. Allele origin: germline. Affected: yes.
Comment: Not observed at significant frequency in large population cohorts (gnomAD); In silico analysis suggests that this missense variant does not alter protein structure/function; Identified in an individual with breast cancer from The Cancer Genome Atlas (TCGA) cohort (PMID: 29625052); This variant is associated with the following publications: (PMID: 29684080, 30196423, 36451132, 29625052)

Labcorp Genetics (formerly Invitae), Labcorp
Classification: Uncertain significance for Hereditary nonpolyposis colorectal neoplasms. Last evaluated: 2024-11-06. Review status: criteria provided, single submitter. Criteria: Invitae Variant Classification Sherloc (09022015). Collection method: clinical testing. Allele origin: germline.
Comment: This sequence change replaces cysteine, which is neutral and slightly polar, with tyrosine, which is neutral and polar, at codon 560 of the PMS2 protein (p.Cys560Tyr). This variant is present in population databases (rs757989905, gnomAD 0.0009%). This missense change has been observed in individual(s) with breast cancer (PMID: 29625052, 36451132). ClinVar contains an entry for this variant (Variation ID: 455666). Invitae Evidence Modeling incorporating data from in vitro experimental studies (internal data) indicates that this missense variant is not expected to disrupt PMS2 function with a negative predictive value of 95%. In summary, the available evidence is currently insufficient to determine the role of this variant in disease. Therefore, it has been classified as a Variant of Uncertain Significance.

All of Us Research Program, National Institutes of Health
Classification: Uncertain significance for Lynch syndrome. Last evaluated: 2024-03-24. Review status: criteria provided, single submitter. Criteria: ACMG Guidelines, 2015. Collection method: clinical testing. Allele origin: germline. Inheritance: Autosomal dominant inheritance. Observed: 2 variant alleles, 2 heterozygotes.
Comment: This missense variant replaces cysteine with tyrosine at codon 560 of the PMS2 protein. Computational prediction tools and conservation analyses suggest that this variant may not impact the protein function. Computational splicing tools suggest that this variant may not impact RNA splicing. To our knowledge, functional assays have not been performed for this variant nor has this variant been reported in individuals affected with hereditary cancer in the literature. This variant has been identified in 1/251292 chromosomes in the general population by the Genome Aggregation Database (gnomAD). Available evidence is insufficient to determine the role of this variant in disease conclusively. Therefore, this variant is classified as a Variant of Uncertain Significance.

This study involves interpretation of variants in research participants for the purpose of population health screening. Participant phenotype was not available at the time of variant classification. Additional details can be found in publication PMID: 35346344, PMCID: PMC8962531

Color Diagnostics, LLC DBA Color Health
Classification: Uncertain significance for Hereditary cancer-predisposing syndrome. Last evaluated: 2024-03-13. Review status: criteria provided, single submitter. Criteria: ACMG Guidelines, 2015. Collection method: clinical testing. Allele origin: germline.
Comment: This missense variant replaces cysteine with tyrosine at codon 560 of the PMS2 protein. Computational prediction suggests that this variant may not impact protein structure and function (internally defined REVEL score threshold <= 0.5, PMID: 27666373). To our knowledge, functional studies have not been reported for this variant. This variant has not been reported in individuals affected with PMS2-related disorders in the literature. This variant has been identified in 1/251292 chromosomes in the general population by the Genome Aggregation Database (gnomAD). The available evidence is insufficient to determine the role of this variant in disease conclusively. Therefore, this variant is classified as a Variant of Uncertain Significance.

Ambry Genetics
Classification: Likely benign for Hereditary cancer-predisposing syndrome. Last evaluated: 2018-11-05. Review status: criteria provided, single submitter. Criteria: Ambry Variant Classification Scheme 2023. Collection method: clinical testing. Allele origin: germline.

Literature cited by the submitters: PubMed 29625052 (cited by Labcorp Genetics (formerly Invitae), Labcorp); PubMed 36451132 (cited by Labcorp Genetics (formerly Invitae), Labcorp).